The following is an entry in ClinVar:

NM_002529.4(NTRK1):c.288-8C>T

Gene: NTRK1 (neurotrophic receptor tyrosine kinase 1; plus strand). Cytogenetic location: 1q23.1.
Variant type: single nucleotide variant.
Coding change: c.288-8C>T on transcript NM_002529.4 (MANE Select); 8 bases into the intron before coding-DNA position 288, C replaced by T.
Molecular consequence: intron variant.
Genome position (GRCh38, 1-based): chr1:156,864,720, C>T. VCF-style: chr1-156864720-C-T. GRCh37 (hg19) VCF-style: chr1-156834512-C-T.
Other names: p.?; c.198-8C>T (NM_001007792.1); c.288-8C>T (NM_001012331.2).
Identifiers: ClinVar variation 292874 (VCV000292874.21), dbSNP rs80026148, ClinGen allele CA1168898.

ClinVar aggregate classification (germline): Benign. Review status: criteria provided, multiple submitters, no conflicts (2 of 4 stars). 9 submissions from 9 submitters: Benign (8). 1 of the submissions does not count toward it. Last evaluated 2026-01-28.

Conditions:
Hereditary insensitivity to pain with anhidrosis (CIPA). Also called: NEUROPATHY, CONGENITAL SENSORY, WITH ANHIDROSIS; hereditary sensory and autonomic neuropathy type 4; FAMILIAL DYSAUTONOMIA, TYPE II; NTRK1 Congenital Insensitivity to Pain with Anhidrosis; INSENSITIVITY TO PAIN, CONGENITAL, WITH ANHIDROSIS; HSAN Type IV. Identifiers: Orphanet 642, MedGen C0020074, MONDO:0009746, OMIM 256800.

Allele frequency attached by ClinVar (database versions not stated): gnomAD 0.00947; TOPMed 0.00974; ESP Exome Variant Server 0.01038; 1000 Genomes Project 0.01058; 1000 Genomes Project 30x 0.01077.
gnomAD v4.1: 2,796 of 1,613,884 alleles (0.17%); highest among the groups gnomAD compares: African/African-American, 3%; 35 homozygotes.

Submissions (9):

Labcorp Genetics (formerly Invitae), Labcorp
Classification: Benign for Hereditary insensitivity to pain with anhidrosis. Last evaluated: 2026-01-28. Review status: criteria provided, single submitter. Criteria: Invitae Variant Classification Sherloc (09022015). Collection method: clinical testing. Allele origin: germline.

KCCC/NGS Laboratory, Kuwait Cancer Control Center
Classification: Benign for Hereditary insensitivity to pain with anhidrosis. Last evaluated: 2023-07-07. Review status: criteria provided, single submitter. Criteria: ACMG Guidelines, 2015. Collection method: clinical testing. Allele origin: germline. Affected: yes.

Genome-Nilou Lab
Classification: Benign for Hereditary insensitivity to pain with anhidrosis. Last evaluated: 2023-04-11. Review status: criteria provided, single submitter. Criteria: ACMG Guidelines, 2015. Collection method: clinical testing. Allele origin: germline. Affected: no.

Athena Diagnostics
Classification: Benign. Last evaluated: 2020-03-24. Review status: criteria provided, single submitter. Criteria: Athena Diagnostics Criteria. Collection method: clinical testing. Allele origin: unknown.

Illumina Laboratory Services, Illumina
Classification: Benign for Hereditary insensitivity to pain with anhidrosis. Last evaluated: 2018-01-12. Review status: criteria provided, single submitter. Criteria: ICSL Variant Classification Criteria 13 December 2019. Collection method: clinical testing. Allele origin: germline.
Comment: This variant was observed in the ICSL laboratory as part of a predisposition screen in an ostensibly healthy population. It had not been previously curated by ICSL or reported in the Human Gene Mutation Database (HGMD: prior to June 1st, 2018), and was therefore a candidate for classification through an automated scoring system. Utilizing variant allele frequency, disease prevalence and penetrance estimates, and inheritance mode, an automated score was calculated to assess if this variant is too frequent to cause the disease. Based on the score and internal cut-off values, a variant classified as benign is not then subjected to further curation. The score for this variant resulted in a classification of benign for this disease.

Mayo Clinic Laboratories, Mayo Clinic
Classification: Benign. Last evaluated: 2017-06-15. Review status: criteria provided, single submitter. Criteria: ACMG Guidelines, 2015. Collection method: clinical testing. Allele origin: germline. Observed: 3 variant alleles.

GeneDx
Classification: Benign. Last evaluated: 2015-09-14. Review status: criteria provided, single submitter. Criteria: GeneDx Variant Classification (06012015). Collection method: clinical testing. Allele origin: germline. Affected: yes.
Comment: This variant is considered likely benign or benign based on one or more of the following criteria: it is a conservative change, it occurs at a poorly conserved position in the protein, it is predicted to be benign by multiple in silico algorithms, and/or has population frequency not consistent with disease.

Breakthrough Genomics
Classification: Benign. Review status: criteria provided, single submitter. Criteria: ACMG Guidelines, 2015. Collection method: not provided. Allele origin: germline. Inheritance: Autosomal recessive inheritance. Affected: yes.

Natera, Inc.
Classification: Benign for Hereditary insensitivity to pain with anhidrosis. Last evaluated: 2020-09-16. Review status: no assertion criteria provided. Collection method: clinical testing. Allele origin: germline. Not counted in ClinVar's aggregate classification.